The following is an entry in ClinVar:

ClinVar aggregate classification (germline): Uncertain significance (1 of 4 stars; one submission).

Conditions:
NUS1-related disorder. Also called: NUS1-related condition; NUS1-Related Disorders. Identifiers: MedGen CN382504, MONDO:1060287.

Allele frequency attached by ClinVar (database versions not stated): TOPMed 0.00001.

Submission:

PreventionGenetics, part of Exact Sciences
Classification: Uncertain significance for NUS1-related condition. Last evaluated: 2023-01-30. Review status: criteria provided, single submitter. Criteria: ACMG Guidelines, 2015. Collection method: clinical testing. Allele origin: germline.
Comment: The NUS1 c.19C>G variant is predicted to result in the amino acid substitution p.Leu7Val. To our knowledge, this variant has not been reported in the literature. This variant is reported in 0.0043% of alleles in individuals of European (Non-Finnish) descent in gnomAD. Although we suspect that this variant may be benign, at this time, the clinical significance of this variant is uncertain due to the absence of conclusive functional and genetic evidence.

NM_138459.5(NUS1):c.19C>G (p.Leu7Val)

Gene: NUS1 (NUS1 dehydrodolichyl diphosphate synthase subunit; plus strand). Cytogenetic location: 6q22.1.
Variant type: single nucleotide variant.
Coding change: c.19C>G on transcript NM_138459.5 (MANE Select); coding-DNA position 19, C replaced by G.
Protein change: p.Leu7Val; replaces leucine 7 with valine.
Molecular consequence: missense variant.
Genome position (GRCh38, 1-based): chr6:117,675,689, C>G. VCF-style: chr6-117675689-C-G. GRCh37 (hg19) VCF-style: chr6-117996852-C-G.
Other names: short protein forms L7V.
Identifiers: ClinVar variation 2635158 (VCV002635158.1), dbSNP rs1192238074, ClinGen allele CA365535731.